The following is an entry in ClinVar:

NM_002578.5(PAK3):c.145C>A (p.Arg49Ser)

Genes: PAK3 (p21 (RAC1) activated kinase 3; plus strand), LOC130068562 (ATAC-STARR-seq lymphoblastoid active region 29857; plus strand). Cytogenetic location: Xq23.
Variant type: single nucleotide variant.
Coding change: c.145C>A on transcript NM_002578.5 (MANE Select); coding-DNA position 145, C replaced by A.
Protein change: p.Arg49Ser; replaces arginine 49 with serine.
Molecular consequence: missense variant. On other transcripts: non-coding transcript variant (9).
Genome position (GRCh38, 1-based): chrX:111,123,248, C>A. VCF-style: chrX-111123248-C-A. GRCh37 (hg19) VCF-style: chrX-110366476-C-A.
Other names: c.145C>A, p.Arg49Ser (NM_001128166.3, NM_001128167.3, NM_001128168.3 and 12 more transcripts); short protein forms R49S.
Identifiers: ClinVar variation 3372739 (VCV003372739.2).

ClinVar aggregate classification (germline): Uncertain significance (1 of 4 stars; one submission).

Submission:

GeneDx
Classification: Uncertain significance. Last evaluated: 2024-12-04. Review status: criteria provided, single submitter. Criteria: GeneDx Variant Classification Process June 2021. Collection method: clinical testing. Allele origin: germline. Affected: yes.
Comment: Not observed at significant frequency in large population cohorts (gnomAD); In silico analysis supports that this missense variant has a deleterious effect on protein structure/function; Has not been previously published as pathogenic or benign to our knowledge; In silico analysis is inconclusive as to whether the variant alters gene splicing. In the absence of RNA/functional studies, the actual effect of this sequence change is unknown.